The following is an entry in ClinVar:

NM_005993.5(TBCD):c.250TTG[2] (p.Leu86del)

Gene: TBCD (tubulin folding cofactor D). Cytogenetic location: 17q25.3.
Variant type: Microsatellite.
Coding change: c.250TTG[2] on transcript NM_005993.5 (MANE Select); two copies in a row of the 3-base unit TTG starting at c.250.
Protein change: p.Leu86del; deletes leucine 86.
Molecular consequence: inframe deletion. On other transcripts: inframe indel (2).
Genome position: GRCh38 VCF-style: chr17-82763978-CTTG-C. GRCh37 (hg19) VCF-style: chr17-80721854-CTTG-C.
Other names: c.199_201TTG[2], p.Leu69del (NM_001411101.1); c.250_252TTG[2], p.Leu86del (NM_001411102.1); short protein forms L69del, L86del.
Identifiers: ClinVar variation 2429434 (VCV002429434.3), dbSNP rs1364543909, ClinGen allele CA627835034.

ClinVar aggregate classification (germline): Uncertain significance (1 of 4 stars; one submission).

Submission:

Illumina Laboratory Services, Illumina
Classification: Uncertain significance. Last evaluated: 2022-12-20. Review status: criteria provided, single submitter. Criteria: ICSL CNVClassificationCriteria Aug2020. Collection method: clinical testing. Allele origin: unknown. Affected: yes.
Comment: The TBCD c.256_258del (p.Leu86del) variant results in deletion of three nucleotides at position c.256_258, causing an in-frame shift in the protein reading frame. To our knowledge, this variant has not been reported in the peer-reviewed literature. This variant is reported in the Genome Aggregation Database in two alleles at a frequency of 0.000008 in the total population (version 2.1.1). Based on the available evidence, the c.256_258del (p.Leu86del) variant is classified as a variant of uncertain significance for early-onset progressive encephalopathy with brain atrophy and thin corpus callosum.